The following is an entry in ClinVar:

NM_005245.4(FAT1):c.13697G>A (p.Ser4566Asn)

Genes: FAT1 (FAT atypical cadherin 1; minus strand), LOC126807253 (BRD4-independent group 4 enhancer GRCh37_chr4:187509297-187510496; plus strand). Cytogenetic location: 4q35.2.
Variant type: single nucleotide variant.
Coding change: c.13697G>A on transcript NM_005245.4 (MANE Select); coding-DNA position 13697, G replaced by A.
Protein change: p.Ser4566Asn; replaces serine 4566 with asparagine.
Molecular consequence: missense variant.
Genome position (GRCh38, 1-based): chr4:186,588,662, C>T on the plus strand (G>A on the coding strand, the complement: FAT1 is on the minus strand). VCF-style: chr4-186588662-C-T. GRCh37 (hg19) VCF-style: chr4-187509816-C-T.
Other names: short protein forms S4566N.
Identifiers: ClinVar variation 2630285 (VCV002630285.1), dbSNP rs2477218705, ClinGen allele CA358961138.
Genomic context (GRCh38, chr4:186,588,662, plus strand): 5'-GTGTGCTGCTGGGAATCCAGGGGCGGGATCGTCACCTCTTCGAAGTGGCCGTCGTCCCCG[C>T]TCTCATAGTCACTCATCATGACCTCGGACTCCACTTCGCAGCAGGCTGACACGTCAGAGC-3'
Protein context (NP_005236.2, residues 4556-4576): ESEVMMSDYE[Ser4566Asn]GDDGHFEEVT

ClinVar aggregate classification (germline): Uncertain significance (1 of 4 stars; one submission).

Conditions:
FAT1-related disorder. Also called: FAT1-related condition.

Allele frequency attached by ClinVar (database versions not stated): gnomAD exomes below 0.00001.
gnomAD v4.1: 2 of 1,613,974 alleles (0.00012%); highest among the groups gnomAD compares: Non-Finnish European, 0.00017%; no homozygotes.

Submission:

PreventionGenetics, part of Exact Sciences
Classification: Uncertain significance for FAT1-related condition. Last evaluated: 2023-03-31. Review status: criteria provided, single submitter. Criteria: ACMG Guidelines, 2015. Collection method: clinical testing. Allele origin: germline.
Comment: The FAT1 c.13697G>A variant is predicted to result in the amino acid substitution p.Ser4566Asn. To our knowledge, this variant has not been reported in the literature or in a large population database, indicating this variant is rare. At this time, the clinical significance of this variant is uncertain due to the absence of conclusive functional and genetic evidence.